The following is an entry in ClinVar:

NM_004364.5(CEBPA):c.585_586delinsTT (p.Pro196Ser)

Gene: CEBPA (CCAAT enhancer binding protein alpha; minus strand). Cytogenetic location: 19q13.11.
Variant type: Indel.
Coding change: c.585_586delinsTT on transcript NM_004364.5 (MANE Select); coding-DNA positions 585 to 586, CC replaced by TT.
Protein change: p.Pro196Ser; replaces proline 196 with serine.
Molecular consequence: missense variant.
Genome position (GRCh38, 1-based): chr19:33,301,829-33,301,830, GG replaced by AA on the plus strand (CC replaced by TT on the coding strand, the reverse complement: CEBPA is on the minus strand). VCF-style: chr19-33301829-GG-AA. GRCh37 (hg19) VCF-style: chr19-33792735-GG-AA.
Other names: c.228_229delinsTT, p.Pro77Ser (NM_001285829.2); c.690_691delinsTT, p.Pro231Ser (NM_001287424.2); c.543_544delinsTT, p.Pro182Ser (NM_001287435.2); short protein forms P182S, P196S, P231S, P77S.
Identifiers: ClinVar variation 4883996 (VCV004883996.2).
Genomic context (GRCh38, chr19:33,301,829, plus strand): 5'-TCTGGCCGCAGTGCGCGATCTGGAACTGCAGGTGCGGGGCGGCCAGGTGCGCGGGCGGCG[GG>AA]TGCGGGTGCGGGTGCGAGGGCGGCGGCGGCGGCGGCGGCTGGTAAGGGAAGAGGCCGGCC-3'
Protein context (NP_004355.2, residues 186-206): PPPPSHPHPH[Pro196Ser]PPAHLAAPHL

ClinVar aggregate classification (germline): Uncertain significance (1 of 4 stars; one submission).

Conditions:
Acute myeloid leukemia (AML). Also called: Acute myeloid leukemia, adult; AML adult; Acute non-lymphocytic leukemia; Acute granulocytic leukemia; Leukemia, acute myeloid, somatic; Leukemia, acute myelogenous, somatic. Identifiers: Orphanet 519, MedGen C0023467, MeSH D015470, MONDO:0018874, OMIM 601626, HP:0004808. Disease mechanism: Constitutively activated FLT3.

Submission:

Dasa
Classification: Uncertain significance for acute myeloid leukemia. Last evaluated: 2025-11-10. Review status: criteria provided, single submitter. Criteria: DASA Assertion Criteria. Collection method: clinical testing. Allele origin: germline.
Comment: NM_004364.5(CEBPA):c.585_586delinsTT (p.Pro196Ser) is an in-frame insertion/deletion-insertion predicted to alter the protein sequence without shifting the reading frame. This variant is absent from population databases. The currently available literature and clinical evidence are not sufficient to establish a definitive association between this variant and the reported condition. Therefore, this variant is classified as a variant of uncertain significance.